The following is an entry in ClinVar:

NM_001267550.2(TTN):c.106126G>A (p.Gly35376Arg)

Genes: TTN-AS1 (TTN antisense RNA 1; plus strand), TTN (titin; minus strand), LOC129935182 (ATAC-STARR-seq lymphoblastoid active region 16807; plus strand). Cytogenetic location: 2q31.2.
Variant type: single nucleotide variant.
Coding change: c.106126G>A on transcript NM_001267550.2 (MANE Select); coding-DNA position 106126, G replaced by A.
Protein change: p.Gly35376Arg; replaces glycine 35376 with arginine.
Molecular consequence: missense variant.
Genome position (GRCh38, 1-based): chr2:178,530,489, C>T on the plus strand (G>A on the coding strand, the complement: TTN is on the minus strand). VCF-style: chr2-178530489-C-T. GRCh37 (hg19) VCF-style: chr2-179395216-C-T.
Other names: c.101203G>A, p.Gly33735Arg (NM_001256850.1); c.78931G>A, p.Gly26311Arg (NM_003319.4); c.98422G>A, p.Gly32808Arg (NM_133378.4); c.79306G>A, p.Gly26436Arg (NM_133432.3); c.79507G>A, p.Gly26503Arg (NM_133437.4); short protein forms G26311R, G26503R, G32808R, G26436R, G35376R, G33735R.
Identifiers: ClinVar variation 2126847 (VCV002126847.4), dbSNP rs1558986443, ClinGen allele CA349406975.
Genomic context (GRCh38, chr2:178,530,489, plus strand): 5'-CTGATTTCTTAGTTTCTGATATTTTTGATACCTTCTCATGGATACTCTTAAAGGCTTGCC[C>T]CATAAATTGTAAGTTGGTTTTAGACGTTCCACCTTCACCAGAAATCTCACAAACATATTC-3'
Protein context (NP_001254479.2, residues 35366-35386): GTSKTNLQFM[Gly35376Arg]QAFKSIHEKV

ClinVar aggregate classification (germline): Uncertain significance (1 of 4 stars; one submission).

Conditions:
Dilated cardiomyopathy 1G (CMD1G). Identifiers: Orphanet 154, MedGen C1858763, MONDO:0011400, OMIM 604145.
Autosomal recessive limb-girdle muscular dystrophy type 2J (LGMDR10). Also called: Limb-girdle muscular dystrophy, type 2J; MUSCULAR DYSTROPHY, LIMB-GIRDLE, AUTOSOMAL RECESSIVE 10. Identifiers: Orphanet 140922, MedGen C1837342, MONDO:0012127, OMIM 608807.

Submission:

Labcorp Genetics (formerly Invitae), Labcorp
Classification: Uncertain significance for Dilated cardiomyopathy 1G; Autosomal recessive limb-girdle muscular dystrophy type 2J. Last evaluated: 2022-04-16. Review status: criteria provided, single submitter. Criteria: Invitae Variant Classification Sherloc (09022015). Collection method: clinical testing. Allele origin: germline.
Comment: This variant has not been reported in the literature in individuals affected with TTN-related conditions. This variant is not present in population databases (gnomAD no frequency). This sequence change replaces glycine, which is neutral and non-polar, with arginine, which is basic and polar, at codon 35376 of the TTN protein (p.Gly35376Arg). Experimental studies and prediction algorithms are not available or were not evaluated, and the functional significance of this variant is currently unknown. This variant is located in the M band of TTN (PMID: 25589632). Variants in this region may be relevant for neuromuscular disorders, but have not been definitively shown to cause cardiomyopathy (PMID: 23975875). In summary, the available evidence is currently insufficient to determine the role of this variant in disease. Therefore, it has been classified as a Variant of Uncertain Significance.

Literature cited by the submitters: PubMed 25589632; PubMed 23975875.